The following is an entry in ClinVar:

ClinVar aggregate classification (germline): Uncertain significance. Review status: criteria provided, multiple submitters, no conflicts (2 of 4 stars). 2 submissions from 2 submitters: Uncertain significance (2). Last evaluated 2023-05-24.

Conditions:
Inborn genetic diseases. Identifiers: MedGen C0950123, MeSH D030342.

Allele frequency attached by ClinVar (database versions not stated): gnomAD 0.00004; TOPMed 0.00006; 1000 Genomes Project 30x 0.00016; 1000 Genomes Project 0.00020.

Submissions (2):

Ambry Genetics
Classification: Uncertain significance for Inborn genetic diseases. Last evaluated: 2023-05-24. Review status: criteria provided, single submitter. Criteria: Ambry Variant Classification Scheme 2023. Collection method: clinical testing. Allele origin: germline.

Labcorp Genetics (formerly Invitae), Labcorp
Classification: Uncertain significance. Last evaluated: 2022-05-17. Review status: criteria provided, single submitter. Criteria: Invitae Variant Classification Sherloc (09022015). Collection method: clinical testing. Allele origin: germline.
Comment: This sequence change replaces aspartic acid, which is acidic and polar, with tyrosine, which is neutral and polar, at codon 427 of the TMTC3 protein (p.Asp427Tyr). This variant is present in population databases (rs146554803, gnomAD 0.1%). This variant has not been reported in the literature in individuals affected with TMTC3-related conditions. Algorithms developed to predict the effect of missense changes on protein structure and function (SIFT, PolyPhen-2, Align-GVGD) all suggest that this variant is likely to be disruptive. In summary, the available evidence is currently insufficient to determine the role of this variant in disease. Therefore, it has been classified as a Variant of Uncertain Significance.

NM_181783.4(TMTC3):c.1279G>T (p.Asp427Tyr)

Gene: TMTC3 (transmembrane O-mannosyltransferase targeting cadherins 3; plus strand). Cytogenetic location: 12q21.32.
Variant type: single nucleotide variant.
Coding change: c.1279G>T on transcript NM_181783.4 (MANE Select); coding-DNA position 1279, G replaced by T.
Protein change: p.Asp427Tyr; replaces aspartic acid 427 with tyrosine.
Molecular consequence: missense variant. On other transcripts: non-coding transcript variant (1).
Genome position (GRCh38, 1-based): chr12:88,174,686, G>T. VCF-style: chr12-88174686-G-T. GRCh37 (hg19) VCF-style: chr12-88568463-G-T.
Other names: c.1099G>T, p.Asp367Tyr (NM_001366574.1); c.1060G>T, p.Asp354Tyr (NM_001366579.1); c.1012G>T, p.Asp338Tyr (NM_001366580.1); c.586G>T, p.Asp196Tyr (NM_001366583.1); c.1279G>T (NM_181783.3); short protein forms D196Y, D367Y, D354Y, D427Y, D338Y.
Identifiers: ClinVar variation 2057107 (VCV002057107.3), dbSNP rs146554803, ClinGen allele CA6713254.